The following is an entry in ClinVar:

ClinVar aggregate classification (germline): Pathogenic/Likely pathogenic. Review status: criteria provided, multiple submitters, no conflicts (2 of 4 stars). 5 submissions from 5 submitters: Pathogenic (1); Likely pathogenic (4). Last evaluated 2024-10-29.

Conditions:
Combined malonic and methylmalonic acidemia. Identifiers: Orphanet 289504, MedGen C3280314, MONDO:0013661, OMIM 614265.

Allele frequency attached by ClinVar (database versions not stated): gnomAD 0.00001; gnomAD exomes 0.00001; TOPMed 0.00001.

Submissions (5):

Natera, Inc.
Classification: Likely pathogenic for Combined malonic and methylmalonic aciduria. Last evaluated: 2024-10-29. Review status: criteria provided, single submitter. Criteria: Natera Variant Classification Schema (03/2026). Collection method: clinical testing. Allele origin: germline.
Comment: The c.1502-2A>G variant in ACSF3 is a canonical splice acceptor site variant predicted to affect pre-mRNA splicing, which may result in an abnormal transcript and altered protein product. This variant is expected to result in nonsense mediated decay, truncation, or a dysfunctional protein product. This variant is rare in the general population with a frequency below the threshold expected for the associated phenotype(s). Given the available evidence, this variant is classified as Likely Pathogenic.

Fulgent Genetics
Classification: Likely pathogenic for Combined malonic and methylmalonic acidemia. Last evaluated: 2024-03-12. Review status: criteria provided, single submitter. Criteria: ACMG Guidelines, 2015. Collection method: clinical testing. Allele origin: germline.

Labcorp Genetics (formerly Invitae), Labcorp
Classification: Likely pathogenic for Combined malonic and methylmalonic acidemia. Last evaluated: 2023-11-20. Review status: criteria provided, single submitter. Criteria: Invitae Variant Classification Sherloc (09022015). Collection method: clinical testing. Allele origin: germline.
Comment: This sequence change affects an acceptor splice site in intron 9 of the ACSF3 gene. It is expected to disrupt RNA splicing. Variants that disrupt the donor or acceptor splice site typically lead to a loss of protein function (PMID: 16199547), and loss-of-function variants in ACSF3 are known to be pathogenic (PMID: 21841779, 26827111). This variant is present in population databases (no rsID available, gnomAD 0.002%). This variant has not been reported in the literature in individuals affected with ACSF3-related conditions. ClinVar contains an entry for this variant (Variation ID: 598729). Algorithms developed to predict the effect of sequence changes on RNA splicing suggest that this variant may disrupt the consensus splice site. In summary, the currently available evidence indicates that the variant is pathogenic, but additional data are needed to prove that conclusively. Therefore, this variant has been classified as Likely Pathogenic.

Baylor Genetics
Classification: Likely pathogenic for Combined malonic and methylmalonic acidemia. Last evaluated: 2023-07-15. Review status: criteria provided, single submitter. Criteria: ACMG Guidelines, 2015. Collection method: clinical testing. Allele origin: unknown.

Eurofins Ntd Llc (ga)
Classification: Pathogenic. Last evaluated: 2018-09-13. Review status: criteria provided, single submitter. Criteria: EGL ClinVar v180209 classification definitions. Collection method: clinical testing. Allele origin: germline. Observed: 1 variant allele, 1 heterozygote.

Literature cited by the submitters: PubMed 16199547 (cited by Labcorp Genetics (formerly Invitae), Labcorp); PubMed 21841779 (cited by Labcorp Genetics (formerly Invitae), Labcorp); PubMed 26827111 (cited by Labcorp Genetics (formerly Invitae), Labcorp).

NM_001243279.3(ACSF3):c.1502-2A>G

Gene: ACSF3 (acyl-CoA synthetase family member 3; plus strand). Cytogenetic location: 16q24.3.
Variant type: single nucleotide variant.
Coding change: c.1502-2A>G on transcript NM_001243279.3 (MANE Select); the canonical splice acceptor site of the intron before coding-DNA position 1502, A replaced by G.
Molecular consequence: splice acceptor variant.
Genome position (GRCh38, 1-based): chr16:89,145,936, A>G. VCF-style: chr16-89145936-A-G. GRCh37 (hg19) VCF-style: chr16-89212344-A-G.
Other names: c.1502-2A>G (NM_001127214.4, NM_174917.5); c.707-2A>G (NM_001284316.2).
Identifiers: ClinVar variation 598729 (VCV000598729.17), dbSNP rs1188774860, ClinGen allele CA397148782.